The following is an entry in ClinVar:

ClinVar aggregate classification (germline): Uncertain significance (1 of 4 stars; one submission).

Conditions:
Baller-Gerold syndrome (BGS). Also called: CRANIOSYNOSTOSIS WITH RADIAL DEFECTS. Identifiers: Orphanet 1225, MedGen C0265308, MONDO:0009039, OMIM 218600.

Submission:

Labcorp Genetics (formerly Invitae), Labcorp
Classification: Uncertain significance for Baller-Gerold syndrome. Last evaluated: 2024-10-27. Review status: criteria provided, single submitter. Criteria: Invitae Variant Classification Sherloc (09022015). Collection method: clinical testing. Allele origin: germline.
Comment: This sequence change replaces glutamic acid, which is acidic and polar, with glycine, which is neutral and non-polar, at codon 266 of the RECQL4 protein (p.Glu266Gly). This variant is not present in population databases (gnomAD no frequency). This variant has not been reported in the literature in individuals affected with RECQL4-related conditions. Invitae Evidence Modeling of protein sequence and biophysical properties (such as structural, functional, and spatial information, amino acid conservation, physicochemical variation, residue mobility, and thermodynamic stability) indicates that this missense variant is not expected to disrupt RECQL4 protein function with a negative predictive value of 80%. In summary, the available evidence is currently insufficient to determine the role of this variant in disease. Therefore, it has been classified as a Variant of Uncertain Significance.

NM_004260.4(RECQL4):c.797A>G (p.Glu266Gly)

Gene: RECQL4 (RecQ like helicase 4; minus strand). Cytogenetic location: 8q24.3.
Variant type: single nucleotide variant.
Coding change: c.797A>G on transcript NM_004260.4 (MANE Select); coding-DNA position 797, A replaced by G.
Protein change: p.Glu266Gly; replaces glutamic acid 266 with glycine.
Molecular consequence: missense variant. On other transcripts: 5 prime UTR variant (17), non-coding transcript variant (3).
Genome position (GRCh38, 1-based): chr8:144,516,322, T>C on the plus strand (A>G on the coding strand, the complement: RECQL4 is on the minus strand). VCF-style: chr8-144516322-T-C. GRCh37 (hg19) VCF-style: chr8-145741706-T-C.
Other names: c.797A>G, p.Glu266Gly (NM_001413017.1, NM_001413018.1, NM_001413019.1 and 4 more transcripts); c.-275A>G (NM_001413021.1, NM_001413022.1, NM_001413023.1 and 7 more transcripts); c.668A>G, p.Glu223Gly (NM_001413025.1); c.-337A>G (NM_001413027.1, NM_001413030.1, NM_001413031.1 and 2 more transcripts); c.446A>G, p.Glu149Gly (NM_001413029.1); c.-179A>G (NM_001413034.1); c.-544A>G (NM_001413043.1); short protein forms E149G, E223G, E266G.
Identifiers: ClinVar variation 3720385 (VCV003720385.2).